The following is an entry in ClinVar:

NM_000444.6(PHEX):c.440C>G (p.Ala147Gly)

Gene: PHEX (phosphate regulating endopeptidase X-linked; plus strand). Cytogenetic location: Xp22.11.
Variant type: single nucleotide variant.
Coding change: c.440C>G on transcript NM_000444.6 (MANE Select); coding-DNA position 440, C replaced by G.
Protein change: p.Ala147Gly; replaces alanine 147 with glycine.
Molecular consequence: missense variant.
Genome position (GRCh38, 1-based): chrX:22,077,479, C>G. VCF-style: chrX-22077479-C-G. GRCh37 (hg19) VCF-style: chrX-22095597-C-G.
Other names: c.440C>G, p.Ala147Gly (NM_001282754.2); short protein forms A147G.
Identifiers: ClinVar variation 3002633 (VCV003002633.3), dbSNP rs749081778, ClinGen allele CA412571232.

ClinVar aggregate classification (germline): Uncertain significance (1 of 4 stars; one submission).

Allele frequency attached by ClinVar (database versions not stated): TOPMed below 0.00001.
gnomAD v4.1: 5 of 1,205,850 alleles (0.00041%); highest among the groups gnomAD compares: Admixed American, 0.0022%; no homozygotes.

Submission:

Labcorp Genetics (formerly Invitae), Labcorp
Classification: Uncertain significance. Last evaluated: 2025-03-30. Review status: criteria provided, single submitter. Criteria: Invitae Variant Classification Sherloc (09022015). Collection method: clinical testing. Allele origin: germline.
Comment: This sequence change replaces alanine, which is neutral and non-polar, with glycine, which is neutral and non-polar, at codon 147 of the PHEX protein (p.Ala147Gly). This variant is present in population databases (no rsID available, gnomAD 0.001%). This variant has not been reported in the literature in individuals affected with PHEX-related conditions. ClinVar contains an entry for this variant (Variation ID: 3002633). Invitae Evidence Modeling of protein sequence and biophysical properties (such as structural, functional, and spatial information, amino acid conservation, physicochemical variation, residue mobility, and thermodynamic stability) has been performed for this missense variant. However, the output from this modeling did not meet the statistical confidence thresholds required to predict the impact of this variant on PHEX protein function. In summary, the available evidence is currently insufficient to determine the role of this variant in disease. Therefore, it has been classified as a Variant of Uncertain Significance.